The following is an entry in ClinVar:

NM_000179.3(MSH6):c.2984A>T (p.Glu995Val)

Gene: MSH6 (mutS homolog 6; plus strand). Cytogenetic location: 2p16.3.
Variant type: single nucleotide variant.
Coding change: c.2984A>T on transcript NM_000179.3 (MANE Select); coding-DNA position 2984, A replaced by T.
Protein change: p.Glu995Val; replaces glutamic acid 995 with valine.
Molecular consequence: missense variant.
Genome position (GRCh38, 1-based): chr2:47,800,967, A>T. VCF-style: chr2-47800967-A-T. GRCh37 (hg19) VCF-style: chr2-48028106-A-T.
Other names: c.2594A>T, p.Glu865Val (NM_001281492.2); c.2078A>T, p.Glu693Val (NM_001281493.2, NM_001281494.2); short protein forms E865V, E693V, E995V.
Identifiers: ClinVar variation 822431 (VCV000822431.4), dbSNP rs1572729560, ClinGen allele CA346756366.
Genomic context (GRCh38, chr2:47,800,967, plus strand): 5'-ACCGTTACCAGCTGGAAATTCCTGAGAATTTCACCACTCGCAATTTGCCAGAAGAATACG[A>T]GTTGAAATCTACCAAGAAGGGCTGTAAACGATACTGGACCAAAACTATTGAAAAGAAGTT-3'
Protein context (NP_000170.1, residues 985-1005): FTTRNLPEEY[Glu995Val]LKSTKKGCKR

ClinVar aggregate classification (germline): Uncertain significance (1 of 4 stars; one submission).

Conditions:
Hereditary cancer-predisposing syndrome. Also called: Tumor predisposition; Hereditary Cancer Syndrome; Neoplastic Syndromes, Hereditary; Hereditary neoplastic syndrome. Identifiers: Orphanet 140162, MedGen C0027672, MeSH D009386, MONDO:0015356.

Submission:

Ambry Genetics
Classification: Uncertain significance for Hereditary cancer-predisposing syndrome. Last evaluated: 2019-07-02. Review status: criteria provided, single submitter. Criteria: Ambry Variant Classification Scheme 2023. Collection method: clinical testing. Allele origin: germline.
Comment: The p.E995V variant (also known as c.2984A>T), located in coding exon 4 of the MSH6 gene, results from an A to T substitution at nucleotide position 2984. The glutamic acid at codon 995 is replaced by valine, an amino acid with dissimilar properties. This amino acid position is well conserved in available vertebrate species. In addition, the in silico prediction for this alteration is inconclusive. Since supporting evidence is limited at this time, the clinical significance of this alteration remains unclear.